The following is an entry in ClinVar:

ClinVar aggregate classification (germline): Conflicting classifications of pathogenicity. Review status: criteria provided, conflicting classifications (1 of 4 stars). 5 submissions from 5 submitters: Uncertain significance (4); Likely benign (1). Last evaluated 2025-11-17.

Conditions:
PCNT-related disorder. Also called: PCNT-related condition.
Microcephalic osteodysplastic primordial dwarfism type II (MOPD2). Also called: OSTEODYSPLASTIC PRIMORDIAL DWARFISM, TYPE II; Microcephalic osteodysplastic primordial dwarfism with tooth abnormalities; MOPD II. Identifiers: Orphanet 2637, MedGen C0432246, MONDO:0008872, OMIM 210720.

Allele frequency attached by ClinVar (database versions not stated): TOPMed 0.00006; ESP Exome Variant Server 0.00023.
gnomAD v4.1: 154 of 1,614,038 alleles (0.0095%); highest among the groups gnomAD compares: Non-Finnish European, 0.013%; no homozygotes.

Submissions (5):

PreventionGenetics, part of Exact Sciences
Classification: Uncertain significance for PCNT-related condition. Last evaluated: 2025-11-17. Review status: criteria provided, single submitter. Criteria: ACMG Guidelines, 2015. Collection method: clinical testing. Allele origin: germline.
Comment: The PCNT c.1971C>G variant is predicted to result in the amino acid substitution p.Asp657Glu. To our knowledge, this variant has not been reported in the literature. This variant is reported in 0.018% of alleles in individuals of European (non-Finnish) descent in gnomAD. At this time, the clinical significance of this variant is uncertain due to the absence of conclusive functional and genetic evidence.

Laboratory of Genetics, Children's Clinical University Hospital Latvia
Classification: Likely benign. Last evaluated: 2025-02-16. Review status: criteria provided, single submitter. Criteria: ACMG Guidelines, 2015. Collection method: clinical testing. Allele origin: germline. Affected: yes.

Labcorp Genetics (formerly Invitae), Labcorp
Classification: Uncertain significance. Last evaluated: 2024-10-14. Review status: criteria provided, single submitter. Criteria: Invitae Variant Classification Sherloc (09022015). Collection method: clinical testing. Allele origin: germline.
Comment: This sequence change replaces aspartic acid, which is acidic and polar, with glutamic acid, which is acidic and polar, at codon 657 of the PCNT protein (p.Asp657Glu). This variant is present in population databases (rs150892737, gnomAD 0.02%). This variant has not been reported in the literature in individuals affected with PCNT-related conditions. ClinVar contains an entry for this variant (Variation ID: 340474). An algorithm developed to predict the effect of missense changes on protein structure and function (PolyPhen-2) suggests that this variant is likely to be disruptive. In summary, the available evidence is currently insufficient to determine the role of this variant in disease. Therefore, it has been classified as a Variant of Uncertain Significance.

Illumina Laboratory Services, Illumina
Classification: Uncertain significance for Microcephalic osteodysplastic primordial dwarfism type II. Last evaluated: 2018-01-13. Review status: criteria provided, single submitter. Criteria: ICSL Variant Classification Criteria 13 December 2019. Collection method: clinical testing. Allele origin: germline.

GeneDx
Classification: Uncertain significance. Last evaluated: 2015-08-21. Review status: criteria provided, single submitter. Criteria: GeneDx Variant Classification (06012015). Collection method: clinical testing. Allele origin: germline. Affected: yes.
Comment: A variant of unknown significance has been identified in the PCNT gene. The D657E variant has not been published as a pathogenic variant, nor has it been reported as a benign polymorphism to our knowledge. It was not observed with any significant frequency in approximately 6,500 individuals of European and African American ancestry in the NHLBI Exome Sequencing Project. The D657E variant is a conservative amino acid substitution, which is not likely to impact secondary protein structure as these residues share similar properties. This substitution occurs at a position that is not conserved. However, in silico analysis is inconsistent in its predictions as to whether or not the D657E variant is damaging to the protein structure/function. Therefore, based on the currently available information, it is unclear whether this variant is a pathogenic variant or a rare benign variant.

NM_006031.6(PCNT):c.1971C>G (p.Asp657Glu)

Gene: PCNT (pericentrin; plus strand). Cytogenetic location: 21q22.3.
Variant type: single nucleotide variant.
Coding change: c.1971C>G on transcript NM_006031.6 (MANE Select); coding-DNA position 1971, C replaced by G.
Protein change: p.Asp657Glu; replaces aspartic acid 657 with glutamic acid.
Molecular consequence: missense variant.
Genome position (GRCh38, 1-based): chr21:46,357,008, C>G. VCF-style: chr21-46357008-C-G. GRCh37 (hg19) VCF-style: chr21-47776923-C-G.
Other names: c.1617C>G, p.Asp539Glu (NM_001315529.2); short protein forms D657E, D539E.
Identifiers: ClinVar variation 340474 (VCV000340474.12), dbSNP rs150892737, ClinGen allele CA10078844.
Genomic context (GRCh38, chr21:46,357,008, plus strand): 5'-GTCTTCCCTGCTCCTTTTCCACACAGAGCTTCCCTGGGTGCATCTCCAGGGTGTGCAGGA[C>G]GGGGACTTGGAGGCCGACACAGAGCGGGCAGCCAGAGTCTTGGGTCTGGAAACTGAGCAC-3'
Protein context (NP_006022.3, residues 647-667): LPWVHLQGVQ[Asp657Glu]GDLEADTERA